The following is an entry in ClinVar:

ClinVar aggregate classification (germline): Likely benign (1 of 4 stars; one submission).

Submission:

CeGaT Center for Human Genetics Tuebingen
Classification: Likely benign. Last evaluated: 2025-08-01. Review status: criteria provided, single submitter. Criteria: CeGaT Center For Human Genetics Tuebingen Variant Classification Criteria Version 2. Collection method: clinical testing. Allele origin: germline. Affected: yes. Observed: 1 variant allele.
Comment: OPN1LW: BP4, BP7

NM_020061.6(OPN1LW):c.465= (p.Val155=)

Gene: OPN1LW (opsin 1, long wave sensitive; plus strand). Cytogenetic location: Xq28.
Variant type: Variation.
Coding change: c.465= on transcript NM_020061.6 (MANE Select); coding-DNA position 465, no change from the reference sequence.
Protein change: p.Val155=; no amino-acid change (valine 155 retained).
Molecular consequence: no sequence alteration.
Genome position: GRCh38 VCF-style: chrX-154152995-C-C. GRCh37 (hg19) VCF-style: chrX-153418468-G-C.
Identifiers: ClinVar variation 4083541 (VCV004083541.8).
Genomic context (GRCh38, chrX:154,152,995, plus strand): 5'-CATAGGGATCACAGGTCTCTGGTCTCTGGCCATCATTTCCTGGGAGAGATGGATGGTGGT[C=]TGCAAGCCCTTTGGCAATGTGAGATTTGATGCCAAGCTGGCCATCGTGGGCATTGCCTTC-3'
Protein context (NP_064445.2, residues 145-165): AIISWERWMV[Val155=]CKPFGNVRFD